The following is an entry in ClinVar:

ClinVar aggregate classification (germline): Benign (0 of 4 stars; one submission).

Conditions:
BRD2-related disorder. Also called: BRD2-related condition.

Allele frequency attached by ClinVar (database versions not stated): ExAC 0.58819; gnomAD exomes 0.58830; 1000 Genomes Project 0.60923; 1000 Genomes Project 30x 0.60931; TOPMed 0.63602; gnomAD 0.63682; ESP Exome Variant Server 0.65754.
gnomAD v4.1: 956,363 of 1,613,806 alleles (59%); highest among the groups gnomAD compares: African/African-American, 78%; 285,876 homozygotes.

Submission:

PreventionGenetics, part of Exact Sciences
Classification: Benign for BRD2-related condition. Last evaluated: 2019-10-17. Review status: no assertion criteria provided. Collection method: clinical testing. Allele origin: germline.
Comment: This variant is classified as benign based on ACMG/AMP sequence variant interpretation guidelines (Richards et al. 2015 PMID: 25741868, with internal and published modifications).

NM_005104.4(BRD2):c.93G>A (p.Lys31=)

Gene: BRD2 (bromodomain containing 2; plus strand). Cytogenetic location: 6p21.32.
Variant type: single nucleotide variant.
Coding change: c.93G>A on transcript NM_005104.4 (MANE Select); coding-DNA position 93, G replaced by A.
Protein change: p.Lys31=; no amino-acid change (lysine 31 retained).
Molecular consequence: synonymous variant. On other transcripts: 5 prime UTR variant (2).
Genome position (GRCh38, 1-based): chr6:32,974,525, G>A. VCF-style: chr6-32974525-G-A. GRCh37 (hg19) VCF-style: chr6-32942302-G-A.
Other names: c.93G>A, p.Lys31= (NM_001113182.3, NM_001199455.1); c.-49G>A (NM_001199456.2); c.-360G>A (NM_001291986.2).
Identifiers: ClinVar variation 3058972 (VCV003058972.2), dbSNP rs516535, ClinGen allele CA3748038.